The following is an entry in ClinVar:

NM_001372066.1(TFAP2A):c.1273del (p.Asp425fs)

Gene: TFAP2A (transcription factor AP-2 alpha; minus strand). Cytogenetic location: 6p24.3.
Variant type: Deletion.
Coding change: c.1273del on transcript NM_001372066.1 (MANE Select); coding-DNA position 1273, one base deleted (G; older notation c.1273delG).
Protein change: p.Asp425fs; shifts the reading frame from aspartic acid 425.
Molecular consequence: frameshift variant.
Genome position (GRCh38, 1-based): chr6:10,398,464, C deleted on the plus strand (G on the coding strand, the reverse complement: TFAP2A is on the minus strand); the first of 2 consecutive C bases (chr6:10,398,464-10,398,465); deleting either gives the same sequence. VCF-style (leftmost placement, unchanged base first): chr6-10398463-TC-T. GRCh37 (hg19) VCF-style: chr6-10398696-TC-T.
Other names: c.1249del, p.Asp417fs (NM_001032280.3); c.1255del, p.Asp419fs (NM_001042425.3); short protein forms D417fs, D419fs, D425fs.
Identifiers: ClinVar variation 2696520 (VCV002696520.3), dbSNP rs2532348237, ClinGen allele CA2697546629.

ClinVar aggregate classification (germline): Uncertain significance (1 of 4 stars; one submission).

Submission:

Labcorp Genetics (formerly Invitae), Labcorp
Classification: Uncertain significance. Last evaluated: 2023-11-17. Review status: criteria provided, single submitter. Criteria: Invitae Variant Classification Sherloc (09022015). Collection method: clinical testing. Allele origin: germline.
Comment: This sequence change results in a frameshift in the TFAP2A gene (p.Asp423Thrfs*111). While this is not anticipated to result in nonsense mediated decay, it is expected to disrupt the last 15 amino acid(s) of the TFAP2A protein and extend the protein by 95 additional amino acid residues. This variant is not present in population databases (gnomAD no frequency). This variant has not been reported in the literature in individuals affected with TFAP2A-related conditions. Experimental studies and prediction algorithms are not available or were not evaluated, and the functional significance of this variant is currently unknown. In summary, the available evidence is currently insufficient to determine the role of this variant in disease. Therefore, it has been classified as a Variant of Uncertain Significance.